The following is an entry in ClinVar:

ClinVar aggregate classification (germline): Uncertain significance (1 of 4 stars; one submission).

Conditions:
Hereditary cancer-predisposing syndrome. Also called: Hereditary Cancer Syndrome; Hereditary neoplastic syndrome; Tumor predisposition; Neoplastic Syndromes, Hereditary. Identifiers: Orphanet 140162, MedGen C0027672, MeSH D009386, MONDO:0015356.

Submission:

Ambry Genetics
Classification: Uncertain significance for Hereditary cancer-predisposing syndrome. Last evaluated: 2022-09-26. Review status: criteria provided, single submitter. Criteria: Ambry Variant Classification Scheme 2023. Collection method: clinical testing. Allele origin: germline.
Comment: The p.T783A variant (also known as c.2347A>G), located in coding exon 20 of the TSC2 gene, results from an A to G substitution at nucleotide position 2347. The threonine at codon 783 is replaced by alanine, an amino acid with similar properties. This amino acid position is conserved. In addition, this alteration is predicted to be tolerated by in silico analysis. Since supporting evidence is limited at this time, the clinical significance of this alteration remains unclear.

NM_000548.5(TSC2):c.2347A>G (p.Thr783Ala)

Gene: TSC2 (TSC complex subunit 2; plus strand). Cytogenetic location: 16p13.3.
Variant type: single nucleotide variant.
Coding change: c.2347A>G on transcript NM_000548.5 (MANE Select); coding-DNA position 2347, A replaced by G.
Protein change: p.Thr783Ala; replaces threonine 783 with alanine.
Molecular consequence: missense variant.
Genome position (GRCh38, 1-based): chr16:2,072,975, A>G. VCF-style: chr16-2072975-A-G. GRCh37 (hg19) VCF-style: chr16-2122976-A-G.
Other names: c.1747A>G, p.Thr583Ala (NM_001318831.2, NM_001406680.1, NM_001406682.1 and 6 more transcripts); c.2380A>G, p.Thr794Ala (NM_001318832.2); c.2347A>G, p.Thr783Ala (NM_001363528.2, NM_001370404.1, NM_001370405.1 and 6 more transcripts); c.2437A>G, p.Thr813Ala (NM_001406667.1, NM_001406668.1); c.2236A>G, p.Thr746Ala (NM_001406670.1, NM_001406678.1, NM_001318827.2); c.2335A>G, p.Thr779Ala (NM_001406671.1, NM_001406673.1); c.2200A>G, p.Thr734Ala (NM_001406675.1, NM_001406676.1, NM_001406679.1 and 1 more transcripts); c.2290A>G, p.Thr764Ala (NM_001406677.1); and 3 more; short protein forms T629A, T779A, T783A, T813A, T583A, T794A, T335A, T764A.
Identifiers: ClinVar variation 1789933 (VCV001789933.2), dbSNP rs2543769935, ClinGen allele CA394276700.